The following is an entry in ClinVar:

NM_178229.5(IQGAP3):c.3564C>T (p.Asp1188=)

Gene: IQGAP3 (IQ motif containing GTPase activating protein 3; minus strand). Cytogenetic location: 1q22.
Variant type: single nucleotide variant.
Coding change: c.3564C>T on transcript NM_178229.5 (MANE Select); coding-DNA position 3564, C replaced by T.
Protein change: p.Asp1188=; no amino-acid change (aspartic acid 1188 retained).
Molecular consequence: synonymous variant.
Genome position (GRCh38, 1-based): chr1:156,534,677, G>A on the plus strand (C>T on the coding strand, the complement: IQGAP3 is on the minus strand). VCF-style: chr1-156534677-G-A. GRCh37 (hg19) VCF-style: chr1-156504469-G-A.
Identifiers: ClinVar variation 3035396 (VCV003035396.2), dbSNP rs752573298, ClinGen allele CA1160975.

ClinVar aggregate classification (germline): Likely benign (0 of 4 stars; one submission).

Conditions:
IQGAP3-related disorder. Also called: IQGAP3-related condition.

Allele frequency attached by ClinVar (database versions not stated): gnomAD 0.00003.
gnomAD v4.1: 49 of 1,610,658 alleles (0.003%); highest among the groups gnomAD compares: East Asian, 0.047%; no homozygotes.

Submission:

PreventionGenetics, part of Exact Sciences
Classification: Likely benign for IQGAP3-related condition. Last evaluated: 2019-07-30. Review status: no assertion criteria provided. Collection method: clinical testing. Allele origin: germline.
Comment: This variant is classified as likely benign based on ACMG/AMP sequence variant interpretation guidelines (Richards et al. 2015 PMID: 25741868, with internal and published modifications).